The following is an entry in ClinVar:

NM_002693.3(POLG):c.2963CCA[3] (p.Thr989_Lys990insThr)

Gene: POLG (DNA polymerase gamma, catalytic subunit; minus strand). Cytogenetic location: 15q26.1.
Variant type: Microsatellite.
Coding change: c.2963CCA[3] on transcript NM_002693.3 (MANE Select); three copies in a row of the 3-base unit CCA starting at c.2963; the reference has two copies in a row; one copy, 3 bases duplicated.
Protein change: p.Thr989_Lys990insThr.
Molecular consequence: inframe insertion. On other transcripts: inframe indel (2).
Genome position (GRCh38, 1-based): chr15:89,320,779-89,320,781, TGG duplicated on the plus strand (CCA on the coding strand, the reverse complement: POLG is on the minus strand); duplicating any 3 consecutive bases within chr15:89,320,779-89,320,784 gives the same sequence; the position shown is the placement nearest the transcript's 3' end. VCF-style (leftmost placement, unchanged base first): chr15-89320778-T-TTGG. GRCh37 (hg19) VCF-style: chr15-89864009-T-TTGG.
Other names: c.2963CCA[3], p.Thr989_Lys990insThr (NM_001126131.2); c.2963_2965CCA[3], p.Thr989_Lys990insThr (NM_002693.2); c.2966_2968dupCCA (NM_002693.2).
Identifiers: ClinVar variation 2577377 (VCV002577377.1), dbSNP rs2509216549, ClinGen allele CA2580612701.

ClinVar aggregate classification (germline): Uncertain significance (1 of 4 stars; one submission).

Submission:

Women's Health and Genetics/Laboratory Corporation of America, LabCorp
Classification: Uncertain significance. Last evaluated: 2023-07-11. Review status: criteria provided, single submitter. Criteria: LabCorp Variant Classification Summary - May 2015. Collection method: clinical testing. Allele origin: germline.
Comment: Variant summary: POLG c.2966_2968dupCCA (p.Thr989dup) results in an in-frame duplication that is predicted to duplicate one amino acids located in the palm domain (IPR001098) of the encoded protein. The variant was absent in 250450 control chromosomes (gnomAD). The variant, c.2966_2968dupCCA, has been reported in the literature in compound heterozygous state in two individuals from the same family, who were affected with Mitochondrial DNA Depletion Syndrome - POLG Related (DaPozzo_2017). These data indicate that the variant may be associated with disease. To our knowledge, no experimental evidence demonstrating an impact on protein function has been reported. The following publication has been ascertained in the context of this evaluation (PMID: 28130605). No submitters have cited clinical-significance assessments for this variant to ClinVar after 2014. Based on the evidence outlined above, the variant was classified as VUS-possibly pathogenic.

Literature cited by the submitters: PubMed 28130605.